The following is an entry in ClinVar:

ClinVar aggregate classification (germline): Uncertain significance (1 of 4 stars; one submission).

Conditions:
Hereditary spastic paraplegia 48. Also called: SPASTIC PARAPLEGIA 48, AUTOSOMAL RECESSIVE; Spastic paraplegia 48. Identifiers: Orphanet 306511, MedGen C3150901, MONDO:0013342, OMIM 613647.

Submission:

Labcorp Genetics (formerly Invitae), Labcorp
Classification: Uncertain significance for Hereditary spastic paraplegia 48. Last evaluated: 2022-04-10. Review status: criteria provided, single submitter. Criteria: Invitae Variant Classification Sherloc (09022015). Collection method: clinical testing. Allele origin: germline.
Comment: Algorithms developed to predict the effect of missense changes on protein structure and function are either unavailable or do not agree on the potential impact of this missense change (SIFT: "Deleterious"; PolyPhen-2: "Benign"; Align-GVGD: "Class C0"). In summary, the available evidence is currently insufficient to determine the role of this variant in disease. Therefore, it has been classified as a Variant of Uncertain Significance. This variant has not been reported in the literature in individuals affected with AP5Z1-related conditions. This variant is not present in population databases (gnomAD no frequency). This sequence change replaces glutamine, which is neutral and polar, with proline, which is neutral and non-polar, at codon 554 of the AP5Z1 protein (p.Gln554Pro).

NM_014855.3(AP5Z1):c.1661A>C (p.Gln554Pro)

Gene: AP5Z1 (adaptor related protein complex 5 subunit zeta 1; plus strand). Cytogenetic location: 7p22.1.
Variant type: single nucleotide variant.
Coding change: c.1661A>C on transcript NM_014855.3 (MANE Select); coding-DNA position 1661, A replaced by C.
Protein change: p.Gln554Pro; replaces glutamine 554 with proline.
Molecular consequence: missense variant. On other transcripts: non-coding transcript variant (1).
Genome position (GRCh38, 1-based): chr7:4,788,905, A>C. VCF-style: chr7-4788905-A-C. GRCh37 (hg19) VCF-style: chr7-4828536-A-C.
Other names: c.1193A>C, p.Gln398Pro (NM_001364858.1); short protein forms Q398P, Q554P.
Identifiers: ClinVar variation 1905965 (VCV001905965.5), dbSNP rs2534068594, ClinGen allele CA366663529.
Genomic context (GRCh38, chr7:4,788,905, plus strand): 5'-CGCCACTCCACCAGCTGCTGCAGCCCATGGCCGGCTGTGCCCGCGTGGCCCAGTGTGCCC[A>C]GGCCGTGCCCACGCTGCTGCAGGCATTCTTCTCAGCAGTGACCCAGGTGAGCTCGCTGCC-3'
Protein context (NP_055670.1, residues 544-564): AGCARVAQCA[Gln554Pro]AVPTLLQAFF